The following is an entry in ClinVar:

ClinVar aggregate classification (germline): Uncertain significance (1 of 4 stars; one submission).

Conditions:
Biotin-responsive basal ganglia disease (BTBGD). Also called: thiamine-responsive encephalopathy; THIAMINE METABOLISM DYSFUNCTION SYNDROME 2 (BIOTIN- AND THIAMINE-RESPONSIVE TYPE); Thiamine Transporter-2 Deficiency; Thiamine metabolism dysfunction syndrome 2 (biotin- or thiamine-responsive encephalopathy type 2); Thiamine metabolism dysfunction syndrome type 2. Identifiers: Orphanet 199348, Orphanet 65284, MedGen C1843807, MONDO:0011841, OMIM 607483.

Allele frequency attached by ClinVar (database versions not stated): ExAC 0.00001; gnomAD exomes 0.00001; TOPMed 0.00001.
gnomAD v4.1: 9 of 1,614,224 alleles (0.00056%); highest among the groups gnomAD compares: South Asian, 0.0044%; no homozygotes.

Submission:

Labcorp Genetics (formerly Invitae), Labcorp
Classification: Uncertain significance for Biotin-responsive basal ganglia disease. Last evaluated: 2023-07-14. Review status: criteria provided, single submitter. Criteria: Invitae Variant Classification Sherloc (09022015). Collection method: clinical testing. Allele origin: germline.
Comment: This sequence change replaces glutamic acid, which is acidic and polar, with lysine, which is basic and polar, at codon 224 of the SLC19A3 protein (p.Glu224Lys). In summary, the available evidence is currently insufficient to determine the role of this variant in disease. Therefore, it has been classified as a Variant of Uncertain Significance. Advanced modeling of protein sequence and biophysical properties (such as structural, functional, and spatial information, amino acid conservation, physicochemical variation, residue mobility, and thermodynamic stability) performed at Invitae indicates that this missense variant is not expected to disrupt SLC19A3 protein function. ClinVar contains an entry for this variant (Variation ID: 856290). This variant has not been reported in the literature in individuals affected with SLC19A3-related conditions. This variant is present in population databases (rs756104687, gnomAD 0.003%).

NM_025243.4(SLC19A3):c.670G>A (p.Glu224Lys)

Gene: SLC19A3 (solute carrier family 19 member 3; minus strand). Cytogenetic location: 2q36.3.
Variant type: single nucleotide variant.
Coding change: c.670G>A on transcript NM_025243.4 (MANE Select); coding-DNA position 670, G replaced by A.
Protein change: p.Glu224Lys; replaces glutamic acid 224 with lysine.
Molecular consequence: missense variant.
Genome position (GRCh38, 1-based): chr2:227,699,045, C>T on the plus strand (G>A on the coding strand, the complement: SLC19A3 is on the minus strand). VCF-style: chr2-227699045-C-T. GRCh37 (hg19) VCF-style: chr2-228563761-C-T.
Other names: c.670G>A, p.Glu224Lys (NM_001371411.1, NM_001371412.1); c.658G>A, p.Glu220Lys (NM_001371413.1, NM_001371414.1); short protein forms E224K, E220K.
Identifiers: ClinVar variation 856290 (VCV000856290.9), dbSNP rs756104687, ClinGen allele CA2149247.